The following is an entry in ClinVar:

ClinVar aggregate classification (germline): Likely benign. Review status: criteria provided, single submitter (1 of 4 stars). 2 submissions from 2 submitters: Likely benign (1). 1 of the submissions does not count toward it. Last evaluated 2025-09-09.

Conditions:
Inclusion body myopathy with early-onset Paget disease with or without frontotemporal dementia 2 (IBMPFD2). Also called: MULTISYSTEM PROTEINOPATHY 2. Identifiers: MedGen C3809468, MONDO:0014178, OMIM 615422.
HNRNPA2B1-related disorder. Also called: HNRNPA2B1-related condition.

Allele frequency attached by ClinVar (database versions not stated): ExAC 0.00002; gnomAD exomes 0.00002 and 0.00004; TOPMed 0.00003; gnomAD 0.00005 and 0.00006; ESP Exome Variant Server 0.00008; 1000 Genomes Project 30x 0.00016; 1000 Genomes Project 0.00020.

Submissions (2):

Labcorp Genetics (formerly Invitae), Labcorp
Classification: Likely benign for Inclusion body myopathy with early-onset Paget disease with or without frontotemporal dementia 2. Last evaluated: 2025-09-09. Review status: criteria provided, single submitter. Criteria: Invitae Variant Classification Sherloc (09022015). Collection method: clinical testing. Allele origin: germline.

PreventionGenetics, part of Exact Sciences
Classification: Likely benign for HNRNPA2B1-related condition. Last evaluated: 2024-07-26. Review status: no assertion criteria provided. Collection method: clinical testing. Allele origin: germline. Not counted in ClinVar's aggregate classification.
Comment: This variant is classified as likely benign based on ACMG/AMP sequence variant interpretation guidelines (Richards et al. 2015 PMID: 25741868, with internal and published modifications).

NM_002137.4(HNRNPA2B1):c.265-7A>G

Gene: HNRNPA2B1 (heterogeneous nuclear ribonucleoprotein A2/B1; minus strand). Cytogenetic location: 7p15.2.
Variant type: single nucleotide variant.
Coding change: c.265-7A>G on transcript NM_002137.4 (MANE Select); 7 bases into the intron before coding-DNA position 265, A replaced by G.
Molecular consequence: intron variant.
Genome position (GRCh38, 1-based): chr7:26,197,024, T>C on the plus strand (A>G on the coding strand, the complement: HNRNPA2B1 is on the minus strand). VCF-style: chr7-26197024-T-C. GRCh37 (hg19) VCF-style: chr7-26236644-T-C.
Other names: c.265-7A>G (NM_001438578.1, NM_001438576.1, NM_001438575.1 and 4 more transcripts); c.301-7A>G (NM_001438574.1, NM_001438573.1, NM_001438568.1 and 3 more transcripts).
Identifiers: ClinVar variation 1130792 (VCV001130792.10), dbSNP rs200804634, ClinGen allele CA4194691.
Genomic context (GRCh38, chr7:26,197,024, plus strand): 5'-TCCGCCAACAAACAGCTTCTTCACAGTTACATGAGCCCCTGGTTTTCCAGATTCCTAAAA[T>C]AGTGGTGGGGTAAAAGTCATCCAAACAGAAAAAAACACAAGCATAATTCAAAGCACCCAA-3'